The following is an entry in ClinVar:

ClinVar aggregate classification (germline): Pathogenic/Likely pathogenic. Review status: criteria provided, multiple submitters, no conflicts (2 of 4 stars). 3 submissions from 3 submitters: Pathogenic (1); Likely pathogenic (1). 1 of the submissions does not count toward it. Last evaluated 2022-09-20.

Conditions:
Retinoblastoma (RB1). Also called: RETINOBLASTOMA, SOMATIC. Identifiers: Orphanet 790, MedGen C0035335, MeSH D012175, MONDO:0008380, OMIM 180200, HP:0009919. Disease mechanism: loss of function. Inheritance: Both sporadic and heritable forms are tested..

Submissions (3):

Institute for Clinical Genetics, University Hospital TU Dresden, University Hospital TU Dresden
Classification: Pathogenic. Last evaluated: 2022-09-20. Review status: criteria provided, single submitter. Criteria: ACMG Guidelines, 2015. Collection method: clinical testing. Allele origin: germline.
Comment: PVS1, PM2_SUP, PS3

Department of Pathology and Laboratory Medicine, Sinai Health System
Classification: Likely pathogenic for retinoblastoma. Review status: criteria provided, single submitter. Criteria: ACMG Guidelines, 2015. Collection method: clinical testing. Allele origin: germline.

OMIM
Classification: Pathogenic for RETINOBLASTOMA. Last evaluated: 2018-01-29. Review status: no assertion criteria provided. Collection method: literature only. Allele origin: germline. Not counted in ClinVar's aggregate classification.

Literature cited by the submitters: PubMed 2673542 (cited by OMIM).

NM_000321.3(RB1):c.2490-1398A>G

Gene: RB1 (RB transcriptional corepressor 1; plus strand). Cytogenetic location: 13q14.2.
Variant type: single nucleotide variant.
Coding change: c.2490-1398A>G on transcript NM_000321.3 (MANE Select); 1398 bases into the intron before coding-DNA position 2490, A replaced by G.
Molecular consequence: intron variant.
Genome position (GRCh38, 1-based): chr13:48,471,962, A>G. VCF-style: chr13-48471962-A-G. GRCh37 (hg19) VCF-style: chr13-49046098-A-G.
Other names: IVS23AS, A-G, -1398.
Identifiers: ClinVar variation 13096 (VCV000013096.4), dbSNP rs587776791, ClinGen allele CA026441.